The following is an entry in ClinVar:

NM_006348.5(COG5):c.1115_1123del (p.Met372_Leu374del)

Gene: COG5 (component of oligomeric golgi complex 5; minus strand). Cytogenetic location: 7q22.3.
Variant type: Deletion.
Coding change: c.1115_1123del on transcript NM_006348.5 (MANE Select); coding-DNA positions 1115 to 1123, 9 bases deleted (TGTTTTTGA; older notation c.1115_1123delTGTTTTTGA).
Protein change: p.Met372_Leu374del.
Molecular consequence: inframe deletion.
Genome position (GRCh38, 1-based): chr7:107,298,332-107,298,340, TCAAAAACA deleted on the plus strand (TGTTTTTGA on the coding strand, the reverse complement: COG5 is on the minus strand); deleting any 9 consecutive bases within chr7:107,298,332-107,298,342 gives the same sequence; the c. name uses the placement nearest the transcript's 3' end. VCF-style (leftmost placement, unchanged base first): chr7-107298331-TTCAAAAACA-T. GRCh37 (hg19) VCF-style: chr7-106938776-TTCAAAAACA-T.
Other names: c.1115_1123del, p.Met372_Leu374del (NM_001161520.2, NM_001379511.1, NM_001379512.1 and 3 more transcripts); c.545_553del, p.Met182_Leu184del (NM_001379515.1); c.401_409del, p.Met134_Leu136del (NM_001379516.1).
Identifiers: ClinVar variation 1981656 (VCV001981656.1), dbSNP rs1188269799, ClinGen allele CA831152892.

ClinVar aggregate classification (germline): Uncertain significance (1 of 4 stars; one submission).

Conditions:
COG5-congenital disorder of glycosylation. Also called: COG5-CDG; CDG IIi; CONGENITAL DISORDER OF GLYCOSYLATION, TYPE IIi. Identifiers: Orphanet 263487, MedGen C3150876, MONDO:0013325, OMIM 613612.

Submission:

Labcorp Genetics (formerly Invitae), Labcorp
Classification: Uncertain significance for COG5-congenital disorder of glycosylation. Last evaluated: 2022-07-30. Review status: criteria provided, single submitter. Criteria: Invitae Variant Classification Sherloc (09022015). Collection method: clinical testing. Allele origin: germline.
Comment: This variant, c.1208_1216del, results in the deletion of 3 amino acid(s) of the COG5 protein (p.Met403_Leu405del), but otherwise preserves the integrity of the reading frame. This variant is not present in population databases (gnomAD no frequency). This variant has not been reported in the literature in individuals affected with COG5-related conditions. Experimental studies and prediction algorithms are not available or were not evaluated, and the functional significance of this variant is currently unknown. In summary, the available evidence is currently insufficient to determine the role of this variant in disease. Therefore, it has been classified as a Variant of Uncertain Significance.